The following is an entry in ClinVar:

NM_000388.4(CASR):c.492G>A (p.Gln164=)

Gene: CASR (calcium sensing receptor; plus strand). Cytogenetic location: 3q21.1.
Variant type: single nucleotide variant.
Coding change: c.492G>A on transcript NM_000388.4 (MANE Select); coding-DNA position 492, G replaced by A.
Protein change: p.Gln164=; no amino-acid change (glutamine 164 retained).
Molecular consequence: synonymous variant.
Genome position (GRCh38, 1-based): chr3:122,257,387, G>A. VCF-style: chr3-122257387-G-A. GRCh37 (hg19) VCF-style: chr3-121976234-G-A.
Other names: c.492G>A, p.Gln164= (NM_001178065.2).
Identifiers: ClinVar variation 1053071 (VCV001053071.8), dbSNP rs2107627922, ClinGen allele CA435404184.
Genomic context (GRCh38, chr3:122,257,387, plus strand): 5'-AACTGGCTCAGGCGTCTCCACGGCAGTGGCAAATCTGCTGGGGCTCTTCTACATTCCCCA[G>A]GTACTCAAGCCTTCTCAGGCGGGGCACTGGGAGCAGGATCAGAAGAAGCAGGCTTGGGGG-3'
Protein context (NP_000379.3, residues 154-174): ANLLGLFYIP[Gln164=]VSYASSSRLL

ClinVar aggregate classification (germline): Uncertain significance (1 of 4 stars; one submission).

Conditions:
Autosomal dominant hypocalcemia 1 (HYPOC1). Also called: HYPOCALCEMIA, FAMILIAL. Identifiers: MedGen C3715128, MONDO:0011013, OMIM 601198.
Familial hypocalciuric hypercalcemia (FHH). Also called: Familial benign hypercalcemia. Identifiers: Orphanet 405, MedGen C1809471, MONDO:0018458.

Submission:

Labcorp Genetics (formerly Invitae), Labcorp
Classification: Uncertain significance for Familial hypocalciuric hypercalcemia; Autosomal dominant hypocalcemia 1. Last evaluated: 2020-07-31. Review status: criteria provided, single submitter. Criteria: Invitae Variant Classification Sherloc (09022015). Collection method: clinical testing. Allele origin: germline.
Comment: In summary, the available evidence is currently insufficient to determine the role of this variant in disease. Therefore, it has been classified as a Variant of Uncertain Significance. This sequence change affects codon 164 of the CASR mRNA. It is a 'silent' change, meaning that it does not change the encoded amino acid sequence of the CASR protein. This variant also falls at the last nucleotide of exon 3 of the CASR coding sequence, which is part of the consensus splice site for this exon. This variant is not present in population databases (ExAC no frequency). This variant has not been reported in the literature in individuals with CASR-related conditions. Nucleotide substitutions within the consensus splice site are a relatively common cause of aberrant splicing (PMID: 17576681, 9536098). Algorithms developed to predict the effect of sequence changes on RNA splicing suggest that this variant may disrupt the consensus splice site, but this prediction has not been confirmed by published transcriptional studies.

Literature cited by the submitters: PubMed 17576681; PubMed 9536098.